The following is an entry in ClinVar:

NM_152564.5(VPS13B):c.4875T>G (p.Ser1625Arg)

Gene: VPS13B (vacuolar protein sorting 13 homolog B; plus strand). Cytogenetic location: 8q22.2.
Variant type: single nucleotide variant.
Coding change: c.4875T>G on transcript NM_152564.5 (MANE Select); coding-DNA position 4875, T replaced by G.
Protein change: p.Ser1625Arg; replaces serine 1625 with arginine.
Molecular consequence: missense variant.
Genome position (GRCh38, 1-based): chr8:99,556,579, T>G. VCF-style: chr8-99556579-T-G. GRCh37 (hg19) VCF-style: chr8-100568807-T-G.
Other names: c.4950T>G, p.Ser1650Arg (NM_017890.5); short protein forms S1625R, S1650R.
Identifiers: ClinVar variation 3348123 (VCV003348123.1).

ClinVar aggregate classification (germline): Uncertain significance (0 of 4 stars; one submission).

Conditions:
VPS13B-related disorder. Also called: VPS13B-related condition.

gnomAD v4.1: 1 of 1,613,208 alleles (0.000062%); highest among the groups gnomAD compares: Non-Finnish European, 0.000085%; no homozygotes.

Submission:

PreventionGenetics, part of Exact Sciences
Classification: Uncertain significance for VPS13B-related condition. Last evaluated: 2024-09-07. Review status: no assertion criteria provided. Collection method: clinical testing. Allele origin: germline.
Comment: The VPS13B c.4875T>G variant is predicted to result in the amino acid substitution p.Ser1625Arg. To our knowledge, this variant has not been reported in the literature or in a large population database, indicating this variant is rare. This variant is also known as NM_017890.4:c.4950T>G (p.Ser1650Arg). At this time, the clinical significance of this variant is uncertain due to the absence of conclusive functional and genetic evidence.